The following is an entry in ClinVar:

NM_001543.5(NDST1):c.1666C>G (p.Leu556Val)

Gene: NDST1 (N-deacetylase and N-sulfotransferase 1; plus strand). Cytogenetic location: 5q33.1.
Variant type: single nucleotide variant.
Coding change: c.1666C>G on transcript NM_001543.5 (MANE Select); coding-DNA position 1666, C replaced by G.
Protein change: p.Leu556Val; replaces leucine 556 with valine.
Molecular consequence: missense variant.
Genome position (GRCh38, 1-based): chr5:150,540,181, C>G. VCF-style: chr5-150540181-C-G. GRCh37 (hg19) VCF-style: chr5-149919743-C-G.
Other names: c.1666C>G, p.Leu556Val (NM_001301063.2); short protein forms L556V.
Identifiers: ClinVar variation 2128610 (VCV002128610.4), dbSNP rs1467412171, ClinGen allele CA361767958.
Genomic context (GRCh38, chr5:150,540,181, plus strand): 5'-GACCGCCTGGGCCTGTACACCTTCAAGCACCTGGTGCGCTTCCTGCACTCCTGGACGAAC[C>G]TCCGGCTGCAGACACTGCCCCCTGTGCAGTTGGCGCAGAAGTACTTCCAGATCTTCTCCG-3'
Protein context (NP_001534.1, residues 546-566): LVRFLHSWTN[Leu556Val]RLQTLPPVQL

ClinVar aggregate classification (germline): Uncertain significance (1 of 4 stars; one submission).

Allele frequency attached by ClinVar (database versions not stated): TOPMed below 0.00001; gnomAD 0.00001.
gnomAD v4.1: 7 of 1,614,124 alleles (0.00043%); highest among the groups gnomAD compares: Non-Finnish European, 0.00059%; no homozygotes.

Submission:

Labcorp Genetics (formerly Invitae), Labcorp
Classification: Uncertain significance. Last evaluated: 2022-05-19. Review status: criteria provided, single submitter. Criteria: Invitae Variant Classification Sherloc (09022015). Collection method: clinical testing. Allele origin: germline.
Comment: In summary, the available evidence is currently insufficient to determine the role of this variant in disease. Therefore, it has been classified as a Variant of Uncertain Significance. Algorithms developed to predict the effect of missense changes on protein structure and function are either unavailable or do not agree on the potential impact of this missense change (SIFT: "Deleterious"; PolyPhen-2: "Possibly Damaging"; Align-GVGD: "Class C15"). This variant has not been reported in the literature in individuals affected with NDST1-related conditions. This variant is present in population databases (no rsID available, gnomAD 0.007%). This sequence change replaces leucine, which is neutral and non-polar, with valine, which is neutral and non-polar, at codon 556 of the NDST1 protein (p.Leu556Val).